The following is an entry in ClinVar:

NM_001184.4(ATR):c.7858G>A (p.Val2620Met)

Gene: ATR (ATR checkpoint kinase; minus strand). Cytogenetic location: 3q23.
Variant type: single nucleotide variant.
Coding change: c.7858G>A on transcript NM_001184.4 (MANE Select); coding-DNA position 7858, G replaced by A.
Protein change: p.Val2620Met; replaces valine 2620 with methionine.
Molecular consequence: missense variant.
Genome position (GRCh38, 1-based): chr3:142,449,506, C>T on the plus strand (G>A on the coding strand, the complement: ATR is on the minus strand). VCF-style: chr3-142449506-C-T. GRCh37 (hg19) VCF-style: chr3-142168348-C-T.
Other names: c.7666G>A, p.Val2556Met (NM_001354579.2); short protein forms V2620M, V2556M.
Identifiers: ClinVar variation 1040916 (VCV001040916.8), dbSNP rs781420658, ClinGen allele CA2649019.
Genomic context (GRCh38, chr3:142,449,506, plus strand): 5'-AACCAAGATACATCTGGCATAGTAAGTTTTCATCAGTAGCTTCCTGTATAAGGTAATGCA[C>T]ATGTCCTTCAATAGATAACGGCAGTCCTGTCACTCTATTTCGAGTCTTGATTACACCTTG-3'
Protein context (NP_001175.2, residues 2610-2630): TGLPLSIEGH[Val2620Met]HYLIQEATDE

ClinVar aggregate classification (germline): Uncertain significance (1 of 4 stars; one submission).

Allele frequency attached by ClinVar (database versions not stated): gnomAD exomes below 0.00001; ExAC 0.00001.
gnomAD v4.1: 2 of 1,613,594 alleles (0.00012%); highest among the groups gnomAD compares: Non-Finnish European, 0.00017%; no homozygotes.

Submission:

Labcorp Genetics (formerly Invitae), Labcorp
Classification: Uncertain significance. Last evaluated: 2020-08-26. Review status: criteria provided, single submitter. Criteria: Invitae Variant Classification Sherloc (09022015). Collection method: clinical testing. Allele origin: germline.
Comment: This sequence change replaces valine with methionine at codon 2620 of the ATR protein (p.Val2620Met). The valine residue is highly conserved and there is a small physicochemical difference between valine and methionine. This variant is present in population databases (rs781420658, ExAC 0.001%). This variant has not been reported in the literature in individuals with ATR-related conditions. Algorithms developed to predict the effect of missense changes on protein structure and function are either unavailable or do not agree on the potential impact of this missense change (SIFT: "Deleterious"; PolyPhen-2: "Probably Damaging"; Align-GVGD: "Class C0"). In summary, the available evidence is currently insufficient to determine the role of this variant in disease. Therefore, it has been classified as a Variant of Uncertain Significance.